The following is an entry in ClinVar:

NM_014865.4(NCAPD2):c.532C>T (p.Gln178Ter)

Gene: NCAPD2 (non-SMC condensin I complex subunit D2; plus strand). Cytogenetic location: 12p13.31.
Variant type: single nucleotide variant.
Coding change: c.532C>T on transcript NM_014865.4 (MANE Select); coding-DNA position 532, C replaced by T.
Protein change: p.Gln178Ter; replaces glutamine 178 with a stop codon.
Molecular consequence: nonsense.
Genome position (GRCh38, 1-based): chr12:6,511,197, C>T. VCF-style: chr12-6511197-C-T. GRCh37 (hg19) VCF-style: chr12-6620363-C-T.
Other names: short protein forms Q178*.
Identifiers: ClinVar variation 4849400 (VCV004849400.1).
Genomic context (GRCh38, chr12:6,511,197, plus strand): 5'-CATGGCTTTGACTGGGAAGAAGAGAGGCAACCAATTCTTCAGCTTTTAACACAGCTACTT[C>T]AGTTGGACATCCGTCACCTGTGGAACCACTCAATAATTGAAGAAGAATTTGTCAGGTGGG-3'

ClinVar aggregate classification (germline): Likely pathogenic (1 of 4 stars; one submission).

Conditions:
Microcephaly 21, primary, autosomal recessive. Identifiers: MedGen C4693831, MONDO:0054804, OMIM 617983.

gnomAD v4.1: 7 of 1,614,082 alleles (0.00043%); highest among the groups gnomAD compares: South Asian, 0.0022%; no homozygotes.

Submission:

First Genomix Gene Laboratory, Genetic Diagnostics Department
Classification: Likely pathogenic for Microcephaly 21, primary, autosomal recessive. Last evaluated: 2025-06-17. Review status: criteria provided, single submitter. Criteria: ACMG Guidelines, 2015. Collection method: clinical testing. Allele origin: germline. Inheritance: Autosomal recessive inheritance. Affected: no. Observed: 1 variant allele.